The following is an entry in ClinVar:

NM_000268.4(NF2):c.1484T>G (p.Ile495Arg)

Gene: NF2 (NF2, moesin-ezrin-radixin like (MERLIN) tumor suppressor; plus strand). Cytogenetic location: 22q12.2.
Variant type: single nucleotide variant.
Coding change: c.1484T>G on transcript NM_000268.4 (MANE Select); coding-DNA position 1484, T replaced by G.
Protein change: p.Ile495Arg; replaces isoleucine 495 with arginine.
Molecular consequence: missense variant. On other transcripts: non-coding transcript variant (1), intron variant (1).
Genome position (GRCh38, 1-based): chr22:29,678,233, T>G. VCF-style: chr22-29678233-T-G. GRCh37 (hg19) VCF-style: chr22-30074222-T-G.
Other names: c.1484T>G, p.Ile495Arg (NM_016418.5, NM_181825.3, NM_181832.3); c.1358T>G, p.Ile453Arg (NM_181828.3); c.1361T>G, p.Ile454Arg (NM_181829.3); c.1235T>G, p.Ile412Arg (NM_181830.3, NM_181831.3); c.448-16519T>G (NM_181833.3); short protein forms I495R, I412R, I454R, I453R.
Identifiers: ClinVar variation 457901 (VCV000457901.9), dbSNP rs1556002511, ClinGen allele CA411149614.

ClinVar aggregate classification (germline): Uncertain significance (1 of 4 stars; one submission).

Conditions:
Neurofibromatosis, type 2 (SWNV). Also called: BILATERAL ACOUSTIC NEUROFIBROMATOSIS; SCHWANNOMATOSIS, VESTIBULAR; NF2-Related Schwannomatosis. Identifiers: Orphanet 637, MedGen C0027832, MONDO:0007039, OMIM 101000. Disease mechanism: loss of function.

Submission:

Labcorp Genetics (formerly Invitae), Labcorp
Classification: Uncertain significance for Neurofibromatosis, type 2. Last evaluated: 2025-08-25. Review status: criteria provided, single submitter. Criteria: Invitae Variant Classification Sherloc (09022015). Collection method: clinical testing. Allele origin: germline.
Comment: This sequence change replaces isoleucine, which is neutral and non-polar, with arginine, which is basic and polar, at codon 495 of the NF2 protein (p.Ile495Arg). This variant is not present in population databases (gnomAD no frequency). This variant has not been reported in the literature in individuals affected with NF2-related conditions. ClinVar contains an entry for this variant (Variation ID: 457901). Invitae Evidence Modeling of protein sequence and biophysical properties (such as structural, functional, and spatial information, amino acid conservation, physicochemical variation, residue mobility, and thermodynamic stability) indicates that this missense variant is not expected to disrupt NF2 protein function with a negative predictive value of 80%. In summary, the available evidence is currently insufficient to determine the role of this variant in disease. Therefore, it has been classified as a Variant of Uncertain Significance.